The following is an entry in ClinVar:

ClinVar aggregate classification (germline): Uncertain significance. Review status: criteria provided, multiple submitters, no conflicts (2 of 4 stars). 2 submissions from 2 submitters: Uncertain significance (2). Last evaluated 2025-10-22.

Conditions:
Brugada syndrome. Also called: Sudden unexpected nocturnal death syndrome; Sudden unexplained nocturnal death syndrome; Sudden Unexplained Death Syndrome; Sudden Unexplained Nocturnal Death Syndrome (SUNDS). Identifiers: Orphanet 130, MedGen C1142166, MONDO:0015263.
Cardiovascular phenotype. Identifiers: MedGen CN230736.

Allele frequency attached by ClinVar (database versions not stated): gnomAD exomes below 0.00001.

Submissions (2):

Ambry Genetics
Classification: Uncertain significance for Cardiovascular phenotype. Last evaluated: 2025-10-22. Review status: criteria provided, single submitter. Criteria: Ambry Variant Classification Scheme 2023. Collection method: clinical testing. Allele origin: germline.

Labcorp Genetics (formerly Invitae), Labcorp
Classification: Uncertain significance for Brugada syndrome. Last evaluated: 2025-09-03. Review status: criteria provided, single submitter. Criteria: Invitae Variant Classification Sherloc (09022015). Collection method: clinical testing. Allele origin: germline.
Comment: This sequence change replaces methionine, which is neutral and non-polar, with valine, which is neutral and non-polar, at codon 1161 of the SCN10A protein (p.Met1161Val). This variant is present in population databases (no rsID available, gnomAD 0.0009%). This variant has not been reported in the literature in individuals affected with SCN10A-related conditions. ClinVar contains an entry for this variant (Variation ID: 2190280). Invitae Evidence Modeling of protein sequence and biophysical properties (such as structural, functional, and spatial information, amino acid conservation, physicochemical variation, residue mobility, and thermodynamic stability) indicates that this missense variant is expected to disrupt SCN10A protein function with a positive predictive value of 80%. In summary, the available evidence is currently insufficient to determine the role of this variant in disease. Therefore, it has been classified as a Variant of Uncertain Significance.

NM_006514.4(SCN10A):c.3481A>G (p.Met1161Val)

Genes: SCN10A (sodium voltage-gated channel alpha subunit 10; minus strand), LOC110121288 (VISTA enhancer hs2268; plus strand). Cytogenetic location: 3p22.2.
Variant type: single nucleotide variant.
Coding change: c.3481A>G on transcript NM_006514.4 (MANE Select); coding-DNA position 3481, A replaced by G.
Protein change: p.Met1161Val; replaces methionine 1161 with valine.
Molecular consequence: missense variant.
Genome position (GRCh38, 1-based): chr3:38,722,284, T>C on the plus strand (A>G on the coding strand, the complement: SCN10A is on the minus strand). VCF-style: chr3-38722284-T-C. GRCh37 (hg19) VCF-style: chr3-38763775-T-C.
Other names: c.3481A>G (NM_006514.2); c.3478A>G, p.Met1160Val (NM_001293306.2); c.3187A>G, p.Met1063Val (NM_001293307.2); short protein forms M1161V, M1063V, M1160V.
Identifiers: ClinVar variation 2190280 (VCV002190280.5), dbSNP rs1033468196, ClinGen allele CA352155232.